The following is an entry in ClinVar:

NM_015512.5(DNAH1):c.1162C>A (p.Leu388Met)

Gene: DNAH1 (dynein axonemal heavy chain 1; plus strand). Cytogenetic location: 3p21.1.
Variant type: single nucleotide variant.
Coding change: c.1162C>A on transcript NM_015512.5 (MANE Select); coding-DNA position 1162, C replaced by A.
Protein change: p.Leu388Met; replaces leucine 388 with methionine.
Molecular consequence: missense variant.
Genome position (GRCh38, 1-based): chr3:52,332,270, C>A. VCF-style: chr3-52332270-C-A. GRCh37 (hg19) VCF-style: chr3-52366286-C-A.
Other names: short protein forms L388M.
Identifiers: ClinVar variation 646875 (VCV000646875.1), dbSNP rs1578085496, ClinGen allele CA353081077.
Genomic context (GRCh38, chr3:52,332,270, plus strand): 5'-CCTTGCATGTTCGCACAACGTGTGGTCCAGGCCAACGCCCTGCGCAAGAACACGGAAGCA[C>A]TGCTGCTCTACAACTTGTATGTGGACTGCATGCCCTCTGACGGCCAGCATGTCATCAGTG-3'
Protein context (NP_056327.4, residues 378-398): ANALRKNTEA[Leu388Met]LLYNLYVDCM

ClinVar aggregate classification (germline): Uncertain significance (1 of 4 stars; one submission).

Conditions:
Spermatogenic failure 18. Identifiers: MedGen C4539783, MONDO:0054615, OMIM 617576.
Ciliary dyskinesia, primary, 37 (CILD37). Also called: CILIARY DYSKINESIA, PRIMARY, 37, WITH OR WITHOUT SITUS INVERSUS. Identifiers: MedGen C4539798, MONDO:0033204, OMIM 617577.

Allele frequency attached by ClinVar (database versions not stated): gnomAD exomes below 0.00001.
gnomAD v4.1: 3 of 1,614,088 alleles (0.00019%); highest among the groups gnomAD compares: Non-Finnish European, 0.000085%; no homozygotes.

Submission:

Labcorp Genetics (formerly Invitae), Labcorp
Classification: Uncertain significance for Ciliary dyskinesia, primary, 37; Spermatogenic failure 18. Last evaluated: 2018-12-11. Review status: criteria provided, single submitter. Criteria: Invitae Variant Classification Sherloc (09022015). Collection method: clinical testing. Allele origin: germline.
Comment: This sequence change replaces leucine with methionine at codon 388 of the DNAH1 protein (p.Leu388Met). The leucine residue is highly conserved and there is a small physicochemical difference between leucine and methionine. This variant is not present in population databases (ExAC no frequency). This variant has not been reported in the literature in individuals with DNAH1-related conditions. Algorithms developed to predict the effect of missense changes on protein structure and function are either unavailable or do not agree on the potential impact of this missense change (SIFT: "Deleterious"; PolyPhen-2: "Benign"; Align-GVGD: "Class C0"). In summary, the available evidence is currently insufficient to determine the role of this variant in disease. Therefore, it has been classified as a Variant of Uncertain Significance.